The following is an entry in ClinVar:

NM_004722.4(AP4M1):c.902_903del (p.Ser301fs)

Gene: AP4M1 (adaptor related protein complex 4 subunit mu 1; plus strand). Cytogenetic location: 7q22.1.
Variant type: Microsatellite.
Coding change: c.902_903del on transcript NM_004722.4 (MANE Select); coding-DNA positions 902 to 903, 2 bases deleted (CT; older notation c.902_903delCT).
Protein change: p.Ser301fs; shifts the reading frame from serine 301.
Molecular consequence: frameshift variant. On other transcripts: non-coding transcript variant (1).
Genome position (GRCh38, 1-based): chr7:100,105,512-100,105,513, CT deleted; deleting any 2 consecutive bases within chr7:100,105,510-100,105,513 gives the same sequence; the c. name uses the placement nearest the transcript's 3' end. VCF-style (leftmost placement, unchanged base first): chr7-100105509-CCT-C. GRCh37 (hg19) VCF-style: chr7-99703132-CCT-C.
Other names: c.923_924del, p.Ser308fs (NM_001363671.2, NM_001438824.1, NM_001438827.1); c.902_903del, p.Ser301fs (NM_001438825.1, NM_001438826.1, NM_001438828.1); c.698_699del, p.Ser233fs (NM_001438829.1, NM_001438830.1); c.518_519del, p.Ser173fs (NM_001438831.1, NM_001438832.1); short protein forms S173fs, S233fs, S301fs, S308fs.
Identifiers: ClinVar variation 4536609 (VCV004536609.1).

ClinVar aggregate classification (germline): Likely pathogenic (1 of 4 stars; one submission).

Conditions:
Hereditary spastic paraplegia 50 (SPG50). Also called: Spastic paraplegia 50, autosomal recessive. Identifiers: Orphanet 280763, MedGen C2752008, MONDO:0013048, OMIM 612936.

Submission:

Genetic Foundation of Khorasan Razavi (GFKR)
Classification: Likely pathogenic for Hereditary spastic paraplegia 50. Review status: criteria provided, single submitter. Criteria: ACMG Guidelines, 2015. Collection method: clinical testing. Allele origin: inherited. Inheritance: Autosomal recessive inheritance. Affected: yes. Observed: 1 compound heterozygote.
Comment: This frameshift variant is predicted to introduce a premature termination codon, leading to loss of function of the protein, which is a well-established disease mechanism for this gene. The variant is absent from population databases, consistent with expectations for a rare disease-causing allele. Taken together, these findings support a pathogenic classification according to ACMG/AMP guidelines